The following is an entry in ClinVar:

NM_033380.3(COL4A5):c.2201del (p.Gly734fs)

Gene: COL4A5 (collagen type IV alpha 5 chain; plus strand). Cytogenetic location: Xq22.3.
Variant type: Deletion.
Coding change: c.2201del on transcript NM_033380.3 (MANE Select); coding-DNA position 2201, one base deleted (G; older notation c.2201delG).
Protein change: p.Gly734fs; shifts the reading frame from glycine 734.
Molecular consequence: frameshift variant.
Genome position (GRCh38, 1-based): chrX:108,603,018, G deleted; the last of 2 consecutive G bases (chrX:108,603,017-108,603,018); deleting either gives the same sequence. VCF-style (leftmost placement, unchanged base first): chrX-108603016-TG-T. GRCh37 (hg19) VCF-style: chrX-107846246-TG-T.
Other names: c.2201del, p.Gly734fs (NM_000495.5); short protein forms G734fs.
Identifiers: ClinVar variation 988110 (VCV000988110.1), dbSNP rs2066663117, ClinGen allele CA2450690303.

ClinVar aggregate classification (germline): Pathogenic (0 of 4 stars; one submission).

Conditions:
Alport syndrome. Also called: Hemorrhagic familial nephritis; Hemorrhagic hereditary nephritis; Congenital hereditary hematuria. Identifiers: Orphanet 63, MedGen C1567741, MONDO:0018965.

Submission:

Sydney Genome Diagnostics, Children's Hospital Westmead
Classification: Pathogenic for Alport syndrome. Last evaluated: 2018-05-29. Review status: no assertion criteria provided. Collection method: clinical testing. Allele origin: unknown. Affected: yes. Observed: 1 variant allele, 1 heterozygote.
Comment: This frameshifting variant is predicted to create a premature stop codon 2 positions downstream (p.Gly734Valfs*2), and may result in a null allele due to nonsense-mediated mRNA decay. To our knowledge, this variant has not been previously reported in the literature or any variant databases (i.e. ExAC, ESP or dbSNP). However, other truncating mutations downstream of this amino acid have been described in the ARUP Alport COL4A5 database. This variant is considered to be pathogenic according to the ACMG guidelines.